The following is an entry in ClinVar:

ClinVar aggregate classification (germline): Conflicting classifications of pathogenicity. Review status: criteria provided, conflicting classifications (1 of 4 stars). 2 submissions from 2 submitters: Uncertain significance (1); Likely benign (1). Last evaluated 2023-12-21.

Allele frequency attached by ClinVar (database versions not stated): ExAC 0.00003; gnomAD exomes 0.00003 and 0.00006; gnomAD 0.00004 and 0.00005; TOPMed 0.00007; ESP Exome Variant Server 0.00008.
gnomAD v4.1: 55 of 1,614,074 alleles (0.0034%); highest among the groups gnomAD compares: Admixed American, 0.01%; no homozygotes.

Submissions (2):

Blueprint Genetics
Classification: Likely benign. Last evaluated: 2023-12-21. Review status: criteria provided, single submitter. Criteria: ACMG Guidelines, 2015. Collection method: clinical testing. Allele origin: germline.

Labcorp Genetics (formerly Invitae), Labcorp
Classification: Uncertain significance. Last evaluated: 2023-12-02. Review status: criteria provided, single submitter. Criteria: Invitae Variant Classification Sherloc (09022015). Collection method: clinical testing. Allele origin: germline.
Comment: This sequence change affects codon 363 of the XYLT2 mRNA. It is a 'silent' change, meaning that it does not change the encoded amino acid sequence of the XYLT2 protein. It affects a nucleotide within the consensus splice site. This variant is present in population databases (rs200160055, gnomAD 0.02%). This variant has not been reported in the literature in individuals affected with XYLT2-related conditions. ClinVar contains an entry for this variant (Variation ID: 1395594). Algorithms developed to predict the effect of sequence changes on RNA splicing suggest that this variant is not likely to affect RNA splicing. In summary, the available evidence is currently insufficient to determine the role of this variant in disease. Therefore, it has been classified as a Variant of Uncertain Significance.

NM_022167.4(XYLT2):c.1089G>A (p.Arg363=)

Gene: XYLT2 (xylosyltransferase 2; plus strand). Cytogenetic location: 17q21.33.
Variant type: single nucleotide variant.
Coding change: c.1089G>A on transcript NM_022167.4 (MANE Select); coding-DNA position 1089, G replaced by A.
Protein change: p.Arg363=; no amino-acid change (arginine 363 retained).
Molecular consequence: synonymous variant.
Genome position (GRCh38, 1-based): chr17:50,355,781, G>A. VCF-style: chr17-50355781-G-A. GRCh37 (hg19) VCF-style: chr17-48433142-G-A.
Identifiers: ClinVar variation 1395594 (VCV001395594.5), dbSNP rs200160055, ClinGen allele CA8646380.